The following is an entry in ClinVar:

ClinVar aggregate classification (germline): Uncertain significance (1 of 4 stars; one submission).

Conditions:
Progressive myoclonic epilepsy. Also called: Familial progressive myoclonic epilepsy; Myoclonus epilepsy; Progressive myoclonus epilepsy; Myoclonic Epilepsies, Progressive. Identifiers: Orphanet 308, Orphanet 98261, MedGen C0751778, MONDO:0020074.

Submission:

Labcorp Genetics (formerly Invitae), Labcorp
Classification: Uncertain significance for Progressive myoclonic epilepsy. Last evaluated: 2022-09-12. Review status: criteria provided, single submitter. Criteria: Invitae Variant Classification Sherloc (09022015). Collection method: clinical testing. Allele origin: germline.
Comment: In summary, the available evidence is currently insufficient to determine the role of this variant in disease. Therefore, it has been classified as a Variant of Uncertain Significance. Advanced modeling of protein sequence and biophysical properties (such as structural, functional, and spatial information, amino acid conservation, physicochemical variation, residue mobility, and thermodynamic stability) performed at Invitae indicates that this missense variant is not expected to disrupt SCARB2 protein function. This variant has not been reported in the literature in individuals affected with SCARB2-related conditions. This variant is not present in population databases (gnomAD no frequency). This sequence change replaces glycine, which is neutral and non-polar, with arginine, which is basic and polar, at codon 460 of the SCARB2 protein (p.Gly460Arg).

NM_005506.4(SCARB2):c.1378G>A (p.Gly460Arg)

Gene: SCARB2 (scavenger receptor class B member 2; minus strand). Cytogenetic location: 4q21.1.
Variant type: single nucleotide variant.
Coding change: c.1378G>A on transcript NM_005506.4 (MANE Select); coding-DNA position 1378, G replaced by A.
Protein change: p.Gly460Arg; replaces glycine 460 with arginine.
Molecular consequence: missense variant.
Genome position (GRCh38, 1-based): chr4:76,163,245, C>T on the plus strand (G>A on the coding strand, the complement: SCARB2 is on the minus strand). VCF-style: chr4-76163245-C-T. GRCh37 (hg19) VCF-style: chr4-77084398-C-T.
Other names: c.949G>A, p.Gly317Arg (NM_001204255.2); short protein forms G460R, G317R.
Identifiers: ClinVar variation 2173951 (VCV002173951.4), dbSNP rs1329451230, ClinGen allele CA357313246.